The following is an entry in ClinVar:

ClinVar aggregate classification (germline): Uncertain significance (1 of 4 stars; one submission).

Submission:

CeGaT Center for Human Genetics Tuebingen
Classification: Uncertain significance. Last evaluated: 2023-12-01. Review status: criteria provided, single submitter. Criteria: CeGaT Center For Human Genetics Tuebingen Variant Classification Criteria Version 2. Collection method: clinical testing. Allele origin: germline. Affected: yes. Observed: 1 variant allele.
Comment: CHD5: PM2, PP2, PS2:Supporting

NM_015557.3(CHD5):c.2845C>T (p.Arg949Trp)

Gene: CHD5 (chromodomain helicase DNA binding protein 5; minus strand). Cytogenetic location: 1p36.31.
Variant type: single nucleotide variant.
Coding change: c.2845C>T on transcript NM_015557.3 (MANE Select); coding-DNA position 2845, C replaced by T.
Protein change: p.Arg949Trp; replaces arginine 949 with tryptophan.
Molecular consequence: missense variant.
Genome position (GRCh38, 1-based): chr1:6,135,255, G>A on the plus strand (C>T on the coding strand, the complement: CHD5 is on the minus strand). VCF-style: chr1-6135255-G-A. GRCh37 (hg19) VCF-style: chr1-6195315-G-A.
Other names: short protein forms R949W.
Identifiers: ClinVar variation 3025703 (VCV003025703.22), dbSNP rs2525394876, ClinGen allele CA338078647.